The following is an entry in ClinVar:

ClinVar aggregate classification (germline): Likely benign (0 of 4 stars; one submission).

Conditions:
RXRB-related disorder. Also called: RXRB-related condition.

Submission:

PreventionGenetics, part of Exact Sciences
Classification: Likely benign for RXRB-related condition. Last evaluated: 2019-05-13. Review status: no assertion criteria provided. Collection method: clinical testing. Allele origin: germline.
Comment: This variant is classified as likely benign based on ACMG/AMP sequence variant interpretation guidelines (Richards et al. 2015 PMID: 25741868, with internal and published modifications).

NM_001291989.2(RXRB):c.16+9A>C

Gene: RXRB (retinoid X receptor beta; minus strand). Cytogenetic location: 6p21.32.
Variant type: single nucleotide variant.
Coding change: c.16+9A>C on transcript NM_001291989.2; 9 bases into the intron after coding-DNA position 16, A replaced by C.
Molecular consequence: intron variant.
Genome position (GRCh38, 1-based): chr6:33,200,758, T>G on the plus strand (A>C on the coding strand, the complement: RXRB is on the minus strand). VCF-style: chr6-33200758-T-G. GRCh37 (hg19) VCF-style: chr6-33168535-T-G.
Identifiers: ClinVar variation 3042026 (VCV003042026.2), dbSNP rs2150679110, ClinGen allele CA2711425473.
Genomic context (GRCh38, chr6:33,200,758, plus strand): 5'-AGTTGGAAACCGAGGAGGCGGTCTCCTCCGGCCTGTTAGCCCGCCTCGCCCACCCTCCCC[T>G]CAAATCACCTCCACACTCGCGCATGCGTGTCAGTGCAGGATGGATTCGTCGCTACCGGAG-3'